The following is an entry in ClinVar:

ClinVar aggregate classification (germline): Likely pathogenic (1 of 4 stars; one submission).

Submission:

Labcorp Genetics (formerly Invitae), Labcorp
Classification: Likely pathogenic. Last evaluated: 2023-02-04. Review status: criteria provided, single submitter. Criteria: Invitae Variant Classification Sherloc (09022015). Collection method: clinical testing. Allele origin: germline.
Comment: In summary, the currently available evidence indicates that the variant is pathogenic, but additional data are needed to prove that conclusively. Therefore, this variant has been classified as Likely Pathogenic. Algorithms developed to predict the effect of sequence changes on RNA splicing suggest that this variant may disrupt the consensus splice site. This variant has not been reported in the literature in individuals affected with GLE1-related conditions. This variant is not present in population databases (gnomAD no frequency). This sequence change affects a donor splice site in intron 10 of the GLE1 gene. It is expected to disrupt RNA splicing. Variants that disrupt the donor or acceptor splice site typically lead to a loss of protein function (PMID: 16199547), and loss-of-function variants in GLE1 are known to be pathogenic (PMID: 18204449, 24243016, 27684565).

Literature cited by the submitters: PubMed 16199547; PubMed 18204449; PubMed 24243016; PubMed 27684565.

NM_001003722.2(GLE1):c.1455+1G>T

Genes: GLE1 (GLE1 RNA export mediator; plus strand), LOC101929270 (uncharacterized LOC101929270; minus strand). Cytogenetic location: 9q34.11.
Variant type: single nucleotide variant.
Coding change: c.1455+1G>T on transcript NM_001003722.2 (MANE Select); the canonical splice donor site of the intron after coding-DNA position 1455, G replaced by T.
Molecular consequence: splice donor variant.
Genome position (GRCh38, 1-based): chr9:128,533,656, G>T. VCF-style: chr9-128533656-G-T. GRCh37 (hg19) VCF-style: chr9-131295935-G-T.
Other names: c.1455+1G>T (NM_001499.2); c.1482+1G>T (NM_001411013.1).
Identifiers: ClinVar variation 2834501 (VCV002834501.3), dbSNP rs770118451, ClinGen allele CA375044139.